The following is an entry in ClinVar:

NM_019844.4(SLCO1B3):c.335C>A (p.Ser112Tyr)

Genes: SLCO1B3 (solute carrier organic anion transporter family member 1B3; plus strand), SLCO1B3-SLCO1B7 (SLCO1B3-SLCO1B7 readthrough; plus strand). Cytogenetic location: 12p12.2.
Variant type: single nucleotide variant.
Coding change: c.335C>A on transcript NM_019844.4 (MANE Select); coding-DNA position 335, C replaced by A.
Protein change: p.Ser112Tyr; replaces serine 112 with tyrosine.
Molecular consequence: missense variant.
Genome position (GRCh38, 1-based): chr12:20,858,547, C>A. VCF-style: chr12-20858547-C-A. GRCh37 (hg19) VCF-style: chr12-21011481-C-A.
Other names: c.251C>A, p.Ser84Tyr (NM_001349920.2); short protein forms S112Y, S84Y.
Identifiers: ClinVar variation 307886 (VCV000307886.16), dbSNP rs145334570, ClinGen allele CA6475136.
Genomic context (GRCh38, chr12:20,858,547, plus strand): 5'-ACAGACCGAAGTTAATTGGAATTGGTTGTCTCCTTATGGGAACTGGAAGTATTTTGACAT[C>A]TTTACCACATTTCTTCATGGGATAGTAAGTGTTAAACAGCTCTGAGCCATTTATTATCAG-3'
Protein context (NP_062818.1, residues 102-122): LLMGTGSILT[Ser112Tyr]LPHFFMGYYR

ClinVar aggregate classification (germline): Conflicting classifications of pathogenicity. Review status: criteria provided, conflicting classifications (1 of 4 stars). 3 submissions from 3 submitters: Uncertain significance (1); Benign (2). Last evaluated 2021-05-03.

Conditions:
Rotor syndrome (HBLRR). Also called: HYPERBILIRUBINEMIA, ROTOR TYPE, DIGENIC; HYPERBILIRUBINEMIA, ROTOR TYPE. Identifiers: Orphanet 3111, MedGen C0220991, MONDO:0009379, OMIM 237450.

Allele frequency attached by ClinVar (database versions not stated): gnomAD 0.00052 and 0.00072; TOPMed 0.00082; ExAC 0.00100; gnomAD exomes 0.00104; 1000 Genomes Project 30x 0.00172; 1000 Genomes Project 0.00220.
gnomAD v4.1: 870 of 1,605,826 alleles (0.054%); highest among the groups gnomAD compares: East Asian, 1.3%; 5 homozygotes.

Submissions (3):

ARUP Laboratories, Molecular Genetics and Genomics, ARUP Laboratories
Classification: Uncertain significance for Rotor syndrome. Last evaluated: 2021-05-03. Review status: criteria provided, single submitter. Criteria: ARUP Molecular Germline Variant Investigation Process 2021. Collection method: clinical testing. Allele origin: germline.

Labcorp Genetics (formerly Invitae), Labcorp
Classification: Benign. Last evaluated: 2018-08-23. Review status: criteria provided, single submitter. Criteria: Invitae Variant Classification Sherloc (09022015). Collection method: clinical testing. Allele origin: germline.

Illumina Laboratory Services, Illumina
Classification: Benign for Rotor syndrome. Last evaluated: 2018-01-13. Review status: criteria provided, single submitter. Criteria: ICSL Variant Classification Criteria 13 December 2019. Collection method: clinical testing. Allele origin: germline.
Comment: This variant was observed in the ICSL laboratory as part of a predisposition screen in an ostensibly healthy population. It had not been previously curated by ICSL or reported in the Human Gene Mutation Database (HGMD: prior to June 1st, 2018), and was therefore a candidate for classification through an automated scoring system. Utilizing variant allele frequency, disease prevalence and penetrance estimates, and inheritance mode, an automated score was calculated to assess if this variant is too frequent to cause the disease. Based on the score and internal cut-off values, a variant classified as benign is not then subjected to further curation. The score for this variant resulted in a classification of benign for this disease.